The following is an entry in ClinVar:

ClinVar aggregate classification (germline): Uncertain significance (1 of 4 stars; one submission).

Conditions:
Kleefstra syndrome 1 (KLEFS1). Identifiers: Orphanet 261494, MedGen C0795833, MONDO:0027407, OMIM 610253.

Submission:

Labcorp Genetics (formerly Invitae), Labcorp
Classification: Uncertain significance for Kleefstra syndrome 1. Last evaluated: 2022-12-06. Review status: criteria provided, single submitter. Criteria: Invitae Variant Classification Sherloc (09022015). Collection method: clinical testing. Allele origin: germline.
Comment: This sequence change replaces methionine, which is neutral and non-polar, with leucine, which is neutral and non-polar, at codon 524 of the EHMT1 protein (p.Met524Leu). This variant is not present in population databases (gnomAD no frequency). In summary, the available evidence is currently insufficient to determine the role of this variant in disease. Therefore, it has been classified as a Variant of Uncertain Significance. Advanced modeling of protein sequence and biophysical properties (such as structural, functional, and spatial information, amino acid conservation, physicochemical variation, residue mobility, and thermodynamic stability) performed at Invitae indicates that this missense variant is not expected to disrupt EHMT1 protein function. ClinVar contains an entry for this variant (Variation ID: 1375073). This variant has not been reported in the literature in individuals affected with EHMT1-related conditions.

NM_024757.5(EHMT1):c.1570A>T (p.Met524Leu)

Genes: EHMT1 (euchromatic histone lysine methyltransferase 1; plus strand), LOC130003148 (ATAC-STARR-seq lymphoblastoid active region 29369; plus strand). Cytogenetic location: 9q34.3.
Variant type: single nucleotide variant.
Coding change: c.1570A>T on transcript NM_024757.5 (MANE Select); coding-DNA position 1570, A replaced by T.
Protein change: p.Met524Leu; replaces methionine 524 with leucine.
Molecular consequence: missense variant.
Genome position (GRCh38, 1-based): chr9:137,762,743, A>T. VCF-style: chr9-137762743-A-T. GRCh37 (hg19) VCF-style: chr9-140657195-A-T.
Other names: c.1570A>T, p.Met524Leu (NM_001145527.2, NM_001354611.2); c.1477A>T, p.Met493Leu (NM_001354259.2, NM_001354612.2); c.1549A>T, p.Met517Leu (NM_001354263.2); short protein forms M493L, M517L, M524L.
Identifiers: ClinVar variation 1375073 (VCV001375073.6), dbSNP rs2136357245, ClinGen allele CA375769162.